The following is an entry in ClinVar:

NM_000371.4(TTR):c.34G>T (p.Ala12Ser)

Gene: TTR (transthyretin; plus strand). Cytogenetic location: 18q12.1.
Variant type: single nucleotide variant.
Coding change: c.34G>T on transcript NM_000371.4 (MANE Select); coding-DNA position 34, G replaced by T.
Protein change: p.Ala12Ser; replaces alanine 12 with serine.
Molecular consequence: missense variant.
Genome position (GRCh38, 1-based): chr18:31,591,936, G>T. VCF-style: chr18-31591936-G-T. GRCh37 (hg19) VCF-style: chr18-29171899-G-T.
Other names: short protein forms A12S.
Identifiers: ClinVar variation 579863 (VCV000579863.10), dbSNP rs1567945391, ClinGen allele CA402156304.

ClinVar aggregate classification (germline): Uncertain significance. Review status: criteria provided, multiple submitters, no conflicts (2 of 4 stars). 2 submissions from 2 submitters: Uncertain significance (2). Last evaluated 2022-08-22.

Conditions:
Cardiovascular phenotype. Identifiers: MedGen CN230736.
Amyloidosis, hereditary systemic 1 (AMYLD1). Also called: Hereditary oculoleptomeningeal amyloid angiopathy; Familial Transthyretin Amyloidosis; AMYLOID CARDIOMYOPATHY; Familial amyloid polyneuropathy; Transthyretin Amyloidosis; Hereditary Transthyretin Amyloidosis. Identifiers: Orphanet 85447, Orphanet 85451, MedGen C2751492, MONDO:0971004, OMIM 105210.

Submissions (2):

Ambry Genetics
Classification: Uncertain significance for Cardiovascular phenotype. Last evaluated: 2022-08-22. Review status: criteria provided, single submitter. Criteria: Ambry Variant Classification Scheme 2023. Collection method: clinical testing. Allele origin: germline.
Comment: The p.A12S variant (also known as c.34G>T), located in coding exon 1 of the TTR gene, results from a G to T substitution at nucleotide position 34. The alanine at codon 12 is replaced by serine, an amino acid with similar properties. This amino acid position is highly conserved in available vertebrate species. In addition, the in silico prediction for this alteration is inconclusive. Since supporting evidence is limited at this time, the clinical significance of this alteration remains unclear.

Labcorp Genetics (formerly Invitae), Labcorp
Classification: Uncertain significance for Amyloidosis, hereditary systemic 1. Last evaluated: 2022-07-06. Review status: criteria provided, single submitter. Criteria: Invitae Variant Classification Sherloc (09022015). Collection method: clinical testing. Allele origin: germline.
Comment: This variant is not present in population databases (gnomAD no frequency). In summary, the available evidence is currently insufficient to determine the role of this variant in disease. Therefore, it has been classified as a Variant of Uncertain Significance. Advanced modeling of protein sequence and biophysical properties (such as structural, functional, and spatial information, amino acid conservation, physicochemical variation, residue mobility, and thermodynamic stability) performed at Invitae indicates that this missense variant is expected to disrupt TTR protein function. ClinVar contains an entry for this variant (Variation ID: 579863). This variant has not been reported in the literature in individuals affected with TTR-related conditions. This sequence change replaces alanine, which is neutral and non-polar, with serine, which is neutral and polar, at codon 12 of the TTR protein (p.Ala12Ser).